The following is an entry in ClinVar:

NM_004369.4(COL6A3):c.4169C>T (p.Ser1390Leu)

Gene: COL6A3 (collagen type VI alpha 3 chain; minus strand). Cytogenetic location: 2q37.3.
Variant type: single nucleotide variant.
Coding change: c.4169C>T on transcript NM_004369.4 (MANE Select); coding-DNA position 4169, C replaced by T.
Protein change: p.Ser1390Leu; replaces serine 1390 with leucine.
Molecular consequence: missense variant.
Genome position (GRCh38, 1-based): chr2:237,371,848, G>A on the plus strand (C>T on the coding strand, the complement: COL6A3 is on the minus strand). VCF-style: chr2-237371848-G-A. GRCh37 (hg19) VCF-style: chr2-238280491-G-A.
Other names: p.Ser1390Leu; c.2948C>T, p.Ser983Leu (NM_057164.5); c.3551C>T, p.Ser1184Leu (NM_057165.5, NM_057167.4); c.2348C>T, p.Ser783Leu (NM_057166.5); short protein forms S1390L, S783L, S983L, S1184L.
Identifiers: ClinVar variation 259300 (VCV000259300.22), dbSNP rs115548605, ClinGen allele CA2188982.

ClinVar aggregate classification (germline): Benign/Likely benign. Review status: criteria provided, multiple submitters, no conflicts (2 of 4 stars). 6 submissions from 6 submitters: Benign (2); Likely benign (4). Last evaluated 2025-12-21.

Conditions:
Collagen 6-related myopathy. Identifiers: MedGen CN117976, MONDO:0100225.
Bethlem myopathy 1A. Also called: Bethlem myopathy 1; MYOPATHY, BENIGN CONGENITAL, WITH CONTRACTURES; Bethlem Muscular Dystrophy. Identifiers: Orphanet 610, MedGen CN029274, MONDO:0024530, OMIM 158810.

Allele frequency attached by ClinVar (database versions not stated): gnomAD exomes 0.00010 and 0.00026; ExAC 0.00033; ESP Exome Variant Server 0.00085; gnomAD 0.00092 and 0.00095; TOPMed 0.00110; 1000 Genomes Project 0.00200; 1000 Genomes Project 30x 0.00219.
gnomAD v4.1: 303 of 1,609,404 alleles (0.019%); highest among the groups gnomAD compares: African/African-American, 0.23%; no homozygotes.

Submissions (6):

Labcorp Genetics (formerly Invitae), Labcorp
Classification: Likely benign for Bethlem myopathy 1A. Last evaluated: 2025-12-21. Review status: criteria provided, single submitter. Criteria: Invitae Variant Classification Sherloc (09022015). Collection method: clinical testing. Allele origin: germline.

Mayo Clinic Laboratories, Mayo Clinic
Classification: Likely benign. Last evaluated: 2025-08-18. Review status: criteria provided, single submitter. Criteria: ACMG Guidelines, 2015. Collection method: clinical testing. Allele origin: germline. Observed: 1 variant allele.
Comment: BS1

GeneDx
Classification: Likely benign. Last evaluated: 2018-08-22. Review status: criteria provided, single submitter. Criteria: GeneDx Variant Classification Process June 2021. Collection method: clinical testing. Allele origin: germline. Affected: yes.

Illumina Laboratory Services, Illumina
Classification: Benign for Collagen VI-related myopathy. Last evaluated: 2018-01-12. Review status: criteria provided, single submitter. Criteria: ICSL Variant Classification Criteria 13 December 2019. Collection method: clinical testing. Allele origin: germline.
Comment: This variant was observed in the ICSL laboratory as part of a predisposition screen in an ostensibly healthy population. It had not been previously curated by ICSL or reported in the Human Gene Mutation Database (HGMD: prior to June 1st, 2018), and was therefore a candidate for classification through an automated scoring system. Utilizing variant allele frequency, disease prevalence and penetrance estimates, and inheritance mode, an automated score was calculated to assess if this variant is too frequent to cause the disease. Based on the score and internal cut-off values, a variant classified as benign is not then subjected to further curation. The score for this variant resulted in a classification of benign for this disease.

Eurofins Ntd Llc (ga)
Classification: Benign. Last evaluated: 2016-05-26. Review status: criteria provided, single submitter. Criteria: EGL Classification Definitions 2015. Collection method: clinical testing. Allele origin: germline. Observed: 2 variant alleles, 2 heterozygotes.

PreventionGenetics, part of Exact Sciences
Classification: Likely benign. Review status: criteria provided, single submitter. Criteria: ACMG Guidelines, 2015. Collection method: clinical testing. Allele origin: germline.